The following is an entry in ClinVar:

ClinVar aggregate classification (germline): Uncertain significance. Review status: criteria provided, multiple submitters, no conflicts (2 of 4 stars). 4 submissions from 4 submitters: Uncertain significance (4). Last evaluated 2026-06-24.

Conditions:
LAMP2-related disorder. Also called: LAMP2-related condition.
Danon disease. Also called: ANTOPOL DISEASE; Glycogen Storage Disease Type IIb; PSEUDOGLYCOGENOSIS II; GSD IIb; LYSOSOMAL GLYCOGEN STORAGE DISEASE WITHOUT ACID MALTASE DEFICIENCY. Identifiers: Orphanet 34587, MedGen C0878677, MONDO:0010281, OMIM 300257.

Allele frequency attached by ClinVar (database versions not stated): gnomAD exomes 0.00001; TOPMed 0.00002.
gnomAD v4.1: 6 of 1,208,535 alleles (0.0005%); highest among the groups gnomAD compares: Non-Finnish European, 0.00067%; no homozygotes.

Submissions (4):

PreventionGenetics, part of Exact Sciences
Classification: Uncertain significance for LAMP2-related condition. Last evaluated: 2026-06-24. Review status: criteria provided, single submitter. Criteria: ACMG Guidelines, 2015. Collection method: clinical testing. Allele origin: germline.
Comment: The LAMP2 c.364G>A variant is predicted to result in the amino acid substitution p.Asp122Asn. To our knowledge, this variant has not been reported in the literature or in a large population database (gnomAD), indicating this variant is rare. At this time, the clinical significance of this variant is uncertain due to the absence of conclusive functional and genetic evidence.

Labcorp Genetics (formerly Invitae), Labcorp
Classification: Uncertain significance for Danon disease. Last evaluated: 2025-04-01. Review status: criteria provided, single submitter. Criteria: Invitae Variant Classification Sherloc (09022015). Collection method: clinical testing. Allele origin: germline.
Comment: This sequence change replaces aspartic acid, which is acidic and polar, with asparagine, which is neutral and polar, at codon 122 of the LAMP2 protein (p.Asp122Asn). This variant is not present in population databases (gnomAD no frequency). This variant has not been reported in the literature in individuals affected with LAMP2-related conditions. ClinVar contains an entry for this variant (Variation ID: 180870). Invitae Evidence Modeling of protein sequence and biophysical properties (such as structural, functional, and spatial information, amino acid conservation, physicochemical variation, residue mobility, and thermodynamic stability) indicates that this missense variant is not expected to disrupt LAMP2 protein function with a negative predictive value of 80%. In summary, the available evidence is currently insufficient to determine the role of this variant in disease. Therefore, it has been classified as a Variant of Uncertain Significance.

GeneDx
Classification: Uncertain significance. Last evaluated: 2023-02-05. Review status: criteria provided, single submitter. Criteria: GeneDx Variant Classification Process June 2021. Collection method: clinical testing. Allele origin: germline. Affected: yes.
Comment: Not observed at significant frequency in large population cohorts (gnomAD); In silico analysis supports that this missense variant has a deleterious effect on protein structure/function; Has not been previously published as pathogenic or benign to our knowledge; This variant is associated with the following publications: (PMID: Schymanski2017[thesis])

CeGaT Center for Human Genetics Tuebingen
Classification: Uncertain significance. Last evaluated: 2017-08-01. Review status: criteria provided, single submitter. Criteria: CeGaT Center For Human Genetics Tuebingen Variant Classification Criteria Version 2. Collection method: clinical testing. Allele origin: germline. Affected: yes. Observed: 1 variant allele.

NM_002294.3(LAMP2):c.364G>A (p.Asp122Asn)

Gene: LAMP2 (lysosome associated membrane protein 2; minus strand). Cytogenetic location: Xq24.
Variant type: single nucleotide variant.
Coding change: c.364G>A on transcript NM_002294.3 (MANE Select); coding-DNA position 364, G replaced by A.
Protein change: p.Asp122Asn; replaces aspartic acid 122 with asparagine.
Molecular consequence: missense variant.
Genome position (GRCh38, 1-based): chrX:120,455,390, C>T on the plus strand (G>A on the coding strand, the complement: LAMP2 is on the minus strand). VCF-style: chrX-120455390-C-T. GRCh37 (hg19) VCF-style: chrX-119589245-C-T.
Other names: p.D122N:GAT>AAT; c.364G>A, p.Asp122Asn (NM_001122606.1, NM_013995.2); short protein forms D122N.
Identifiers: ClinVar variation 180870 (VCV000180870.52), dbSNP rs730880480, ClinGen allele CA333640.